The following is an entry in ClinVar:

ClinVar aggregate classification (germline): Uncertain significance (1 of 4 stars; one submission).

Conditions:
Glanzmann thrombasthenia. Also called: Thrombasthenia; BLEEDING DISORDER, PLATELET-TYPE, 2; THROMBASTHENIA OF GLANZMANN AND NAEGELI; Glanzmann's thrombasthenia; PLATELET GLYCOPROTEIN IIb-IIIa DEFICIENCY. Identifiers: Orphanet 849, MedGen C0040015, MONDO:0100326.

Submission:

Labcorp Genetics (formerly Invitae), Labcorp
Classification: Uncertain significance for Glanzmann thrombasthenia. Last evaluated: 2024-09-14. Review status: criteria provided, single submitter. Criteria: Invitae Variant Classification Sherloc (09022015). Collection method: clinical testing. Allele origin: germline.
Comment: This sequence change replaces glutamic acid, which is acidic and polar, with aspartic acid, which is acidic and polar, at codon 167 of the ITGA2B protein (p.Glu167Asp). This variant is not present in population databases (gnomAD no frequency). This variant has not been reported in the literature in individuals affected with ITGA2B-related conditions. Invitae Evidence Modeling of protein sequence and biophysical properties (such as structural, functional, and spatial information, amino acid conservation, physicochemical variation, residue mobility, and thermodynamic stability) indicates that this missense variant is not expected to disrupt ITGA2B protein function with a negative predictive value of 80%. In summary, the available evidence is currently insufficient to determine the role of this variant in disease. Therefore, it has been classified as a Variant of Uncertain Significance.

NM_000419.5(ITGA2B):c.501G>T (p.Glu167Asp)

Gene: ITGA2B (integrin subunit alpha 2b; minus strand). Cytogenetic location: 17q21.31.
Variant type: single nucleotide variant.
Coding change: c.501G>T on transcript NM_000419.5 (MANE Select); coding-DNA position 501, G replaced by T.
Protein change: p.Glu167Asp; replaces glutamic acid 167 with aspartic acid.
Molecular consequence: missense variant.
Genome position (GRCh38, 1-based): chr17:44,385,624, C>A on the plus strand (G>T on the coding strand, the complement: ITGA2B is on the minus strand). VCF-style: chr17-44385624-C-A. GRCh37 (hg19) VCF-style: chr17-42462992-C-A.
Other names: short protein forms E167D.
Identifiers: ClinVar variation 3722732 (VCV003722732.2).